The following is an entry in ClinVar:

NM_000321.3(RB1):c.1522del (p.Ser508fs)

Gene: RB1 (RB transcriptional corepressor 1; plus strand). Cytogenetic location: 13q14.2.
Variant type: Deletion.
Coding change: c.1522del on transcript NM_000321.3 (MANE Select); coding-DNA position 1522, one base deleted (T; older notation c.1522delT).
Protein change: p.Ser508fs; shifts the reading frame from serine 508.
Molecular consequence: frameshift variant.
Genome position (GRCh38, 1-based): chr13:48,381,270, T deleted; the last of 2 consecutive T bases (chr13:48,381,269-48,381,270); deleting either gives the same sequence. VCF-style (leftmost placement, unchanged base first): chr13-48381268-AT-A. GRCh37 (hg19) VCF-style: chr13-48955404-AT-A.
Other names: c.1522del, p.Ser508fs (NM_001407165.1, NM_001407166.1); short protein forms S508fs.
Identifiers: ClinVar variation 3237003 (VCV003237003.1), dbSNP rs2542206509.

ClinVar aggregate classification (germline): Pathogenic (1 of 4 stars; one submission).

Conditions:
Retinoblastoma (RB1). Also called: RETINOBLASTOMA, SOMATIC. Identifiers: Orphanet 790, MedGen C0035335, MeSH D012175, MONDO:0008380, OMIM 180200, HP:0009919. Disease mechanism: loss of function. Inheritance: Both sporadic and heritable forms are tested..

Submission:

Genetic Diagnostic Laboratory, University of Pennsylvania School of Medicine
Classification: Pathogenic for Retinoblastoma. Last evaluated: 2024-05-20. Review status: criteria provided, single submitter. Criteria: ACMG Guidelines, 2015. Collection method: clinical testing. Allele origin: germline. Affected: yes. Observed: 1 variant allele.
Comment: Case and Pedigree Information: BILATERAL CASES:1, UNILATERAL CASES:0, TOTAL CASES:1, PEDIGREES:1. ACMG Codes Applied:PVS1, PM2